The following is an entry in ClinVar:

ClinVar aggregate classification (germline): Uncertain significance. Review status: criteria provided, multiple submitters, no conflicts (2 of 4 stars). 5 submissions from 5 submitters: Uncertain significance (4). 1 of the submissions does not count toward it. Last evaluated 2023-05-24.

Conditions:
Nemaline myopathy 2 (NEM2). Also called: Nemaline myopathy 2, autosomal recessive. Identifiers: MedGen C1850569, MONDO:0009725, OMIM 256030.

Allele frequency attached by ClinVar (database versions not stated): gnomAD exomes 0.00005 and 0.00006; ExAC 0.00007; ESP Exome Variant Server 0.00008; gnomAD 0.00010 and 0.00011; TOPMed 0.00018.
gnomAD v4.1: 93 of 1,613,540 alleles (0.0058%); highest among the groups gnomAD compares: Admixed American, 0.027%; no homozygotes.

Submissions (5):

Revvity Omics, Revvity
Classification: Uncertain significance. Last evaluated: 2023-05-24. Review status: criteria provided, single submitter. Criteria: ACMG Guidelines, 2015. Collection method: clinical testing. Allele origin: germline.

Labcorp Genetics (formerly Invitae), Labcorp
Classification: Uncertain significance for Nemaline myopathy 2. Last evaluated: 2022-10-24. Review status: criteria provided, single submitter. Criteria: Invitae Variant Classification Sherloc (09022015). Collection method: clinical testing. Allele origin: germline.
Comment: This sequence change replaces arginine, which is basic and polar, with cysteine, which is neutral and slightly polar, at codon 4083 of the NEB protein (p.Arg4083Cys). This variant is present in population databases (rs368383341, gnomAD 0.02%). This variant has not been reported in the literature in individuals affected with NEB-related conditions. ClinVar contains an entry for this variant (Variation ID: 129709). Algorithms developed to predict the effect of missense changes on protein structure and function are either unavailable or do not agree on the potential impact of this missense change (SIFT: "Deleterious"; PolyPhen-2: "Not Available"; Align-GVGD: "Class C0"). In summary, the available evidence is currently insufficient to determine the role of this variant in disease. Therefore, it has been classified as a Variant of Uncertain Significance.

GeneDx
Classification: Uncertain significance. Last evaluated: 2020-12-21. Review status: criteria provided, single submitter. Criteria: GeneDx Variant Classification Process June 2021. Collection method: clinical testing. Allele origin: germline. Affected: yes.
Comment: In silico analysis supports that this missense variant has a deleterious effect on protein structure/function; Has not been previously published as pathogenic or benign to our knowledge

Genetic Services Laboratory, University of Chicago
Classification: Uncertain significance. Last evaluated: 2013-12-23. Review status: criteria provided, single submitter. Criteria: ACMG Guidelines, 2007. Collection method: clinical testing. Allele origin: germline. Inheritance: Autosomal recessive inheritance.

Natera, Inc.
Classification: Uncertain significance for Nemaline myopathy type 2. Last evaluated: 2019-11-11. Review status: no assertion criteria provided. Collection method: clinical testing. Allele origin: germline. Not counted in ClinVar's aggregate classification.

NM_001164508.2(NEB):c.12247C>T (p.Arg4083Cys)

Gene: NEB (nebulin; minus strand). Cytogenetic location: 2q23.3.
Variant type: single nucleotide variant.
Coding change: c.12247C>T on transcript NM_001164508.2 (MANE Select); coding-DNA position 12247, C replaced by T.
Protein change: p.Arg4083Cys; replaces arginine 4083 with cysteine.
Molecular consequence: missense variant.
Genome position (GRCh38, 1-based): chr2:151,609,892, G>A on the plus strand (C>T on the coding strand, the complement: NEB is on the minus strand). VCF-style: chr2-151609892-G-A. GRCh37 (hg19) VCF-style: chr2-152466406-G-A.
Other names: c.12247C>T, p.Arg4083Cys (NM_001164507.2, NM_001271208.2); c.11518C>T, p.Arg3840Cys (NM_004543.5); short protein forms R4083C, R3840C.
Identifiers: ClinVar variation 129709 (VCV000129709.19), dbSNP rs368383341, ClinGen allele CA231305.